The following is an entry in ClinVar:

NM_015450.3(POT1):c.37C>T (p.Pro13Ser)

Gene: POT1 (protection of telomeres 1; minus strand). Cytogenetic location: 7q31.33.
Variant type: single nucleotide variant.
Coding change: c.37C>T on transcript NM_015450.3 (MANE Select); coding-DNA position 37, C replaced by T.
Protein change: p.Pro13Ser; replaces proline 13 with serine.
Molecular consequence: missense variant. On other transcripts: 5 prime UTR variant (1), non-coding transcript variant (3).
Genome position (GRCh38, 1-based): chr7:124,892,353, G>A on the plus strand (C>T on the coding strand, the complement: POT1 is on the minus strand). VCF-style: chr7-124892353-G-A. GRCh37 (hg19) VCF-style: chr7-124532407-G-A.
Other names: c.-226C>T (NM_001042594.2); short protein forms P13S.
Identifiers: ClinVar variation 824234 (VCV000824234.5), dbSNP rs1584792028, ClinGen allele CA369066235.

ClinVar aggregate classification (germline): Uncertain significance. Review status: criteria provided, multiple submitters, no conflicts (2 of 4 stars). 2 submissions from 2 submitters: Uncertain significance (2). Last evaluated 2024-01-26.

Conditions:
Hereditary cancer-predisposing syndrome. Also called: Neoplastic Syndromes, Hereditary; Tumor predisposition; Hereditary neoplastic syndrome; Hereditary Cancer Syndrome. Identifiers: Orphanet 140162, MedGen C0027672, MeSH D009386, MONDO:0015356.

gnomAD v4.1: 1 of 1,498,466 alleles (0.000067%); highest among the groups gnomAD compares: Non-Finnish European, 0.000089%; no homozygotes.

Submissions (2):

GeneDx
Classification: Uncertain significance. Last evaluated: 2024-01-26. Review status: criteria provided, single submitter. Criteria: GeneDx Variant Classification Process June 2021. Collection method: clinical testing. Allele origin: germline. Affected: yes.
Comment: Not observed at significant frequency in large population cohorts (gnomAD); In silico analysis supports that this missense variant has a deleterious effect on protein structure/function; Has not been previously published as pathogenic or benign to our knowledge; This variant is associated with the following publications: (PMID: 28393830)

Ambry Genetics
Classification: Uncertain significance for Hereditary cancer-predisposing syndrome. Last evaluated: 2018-09-04. Review status: criteria provided, single submitter. Criteria: Ambry Variant Classification Scheme 2023. Collection method: clinical testing. Allele origin: germline.
Comment: The p.P13S variant (also known as c.37C>T), located in coding exon 2 of the POT1 gene, results from a C to T substitution at nucleotide position 37. The proline at codon 13 is replaced by serine, an amino acid with similar properties. This amino acid position is highly conserved in available vertebrate species. In addition, the in silico prediction for this alteration is inconclusive. Since supporting evidence is limited at this time, the clinical significance of this alteration remains unclear.